The following is an entry in ClinVar:

NM_001164508.2(NEB):c.8466C>T (p.His2822=)

Gene: NEB (nebulin; minus strand). Cytogenetic location: 2q23.3.
Variant type: single nucleotide variant.
Coding change: c.8466C>T on transcript NM_001164508.2 (MANE Select); coding-DNA position 8466, C replaced by T.
Protein change: p.His2822=; no amino-acid change (histidine 2822 retained).
Molecular consequence: synonymous variant.
Genome position (GRCh38, 1-based): chr2:151,640,574, G>A on the plus strand (C>T on the coding strand, the complement: NEB is on the minus strand). VCF-style: chr2-151640574-G-A. GRCh37 (hg19) VCF-style: chr2-152497088-G-A.
Other names: p.His2822=; c.8466C>T, p.His2822= (NM_001164507.2, NM_001271208.2, NM_004543.5).
Identifiers: ClinVar variation 129759 (VCV000129759.31), dbSNP rs61730771, ClinGen allele CA154039.

ClinVar aggregate classification (germline): Benign/Likely benign. Review status: criteria provided, multiple submitters, no conflicts (2 of 4 stars). 14 submissions from 14 submitters: Benign (9); Likely benign (1). 4 of the submissions do not count toward it. Last evaluated 2026-02-04.

Conditions:
Nemaline myopathy 2 (NEM2). Also called: Nemaline myopathy 2, autosomal recessive. Identifiers: MedGen C1850569, MONDO:0009725, OMIM 256030.

Allele frequency attached by ClinVar (database versions not stated): gnomAD 0.02236; TOPMed 0.02497; ESP Exome Variant Server 0.02555; 1000 Genomes Project 0.03235; 1000 Genomes Project 30x 0.03279.
gnomAD v4.1: 31,749 of 1,613,806 alleles (2%); highest among the groups gnomAD compares: South Asian, 4.7%; 458 homozygotes.

Submissions (14):

Labcorp Genetics (formerly Invitae), Labcorp
Classification: Benign for Nemaline myopathy 2. Last evaluated: 2026-02-04. Review status: criteria provided, single submitter. Criteria: Invitae Variant Classification Sherloc (09022015). Collection method: clinical testing. Allele origin: germline.

Blueprint Genetics
Classification: Likely benign. Last evaluated: 2024-11-26. Review status: criteria provided, single submitter. Criteria: ACMG Guidelines, 2015. Collection method: clinical testing. Allele origin: germline.

Women's Health and Genetics/Laboratory Corporation of America, LabCorp
Classification: Benign. Last evaluated: 2019-04-01. Review status: criteria provided, single submitter. Criteria: LabCorp Variant Classification Summary - May 2015. Collection method: clinical testing. Allele origin: germline.
Comment: Variant summary: NEB c.8466C>T alters a non-conserved nucleotide resulting in a synonymous change. 5/5 computational tools predict no significant impact on normal splicing. However, these predictions have yet to be confirmed by functional studies. The variant allele was found at a frequency of 0.021 in 277116 control chromosomes in the gnomAD database, including 92 homozygotes. The observed variant frequency is approximately 6 fold of the estimated maximal expected allele frequency for a pathogenic variant in NEB causing Nemaline Myopathy 2 phenotype (0.0035), strongly suggesting that the variant is benign. To our knowledge, no occurrence of c.8466C>T in individuals affected with Nemaline Myopathy 2 and no experimental evidence demonstrating its impact on protein function have been reported. Four clinical diagnostic laboratories have submitted clinical-significance assessments for this variant to ClinVar after 2014 without evidence for independent evaluation. All laboratories classified the variant as benign/likely benign. Based on the evidence outlined above, the variant was classified as benign.

Athena Diagnostics
Classification: Benign. Last evaluated: 2019-03-04. Review status: criteria provided, single submitter. Criteria: Athena Diagnostics Criteria. Collection method: clinical testing. Allele origin: germline.

Illumina Laboratory Services, Illumina
Classification: Benign for Nemaline myopathy 2. Last evaluated: 2018-01-12. Review status: criteria provided, single submitter. Criteria: ICSL Variant Classification Criteria 13 December 2019. Collection method: clinical testing. Allele origin: germline.
Comment: This variant was observed in the ICSL laboratory as part of a predisposition screen in an ostensibly healthy population. It had not been previously curated by ICSL or reported in the Human Gene Mutation Database (HGMD: prior to June 1st, 2018), and was therefore a candidate for classification through an automated scoring system. Utilizing variant allele frequency, disease prevalence and penetrance estimates, and inheritance mode, an automated score was calculated to assess if this variant is too frequent to cause the disease. Based on the score and internal cut-off values, a variant classified as benign is not then subjected to further curation. The score for this variant resulted in a classification of benign for this disease.

Mayo Clinic Laboratories, Mayo Clinic
Classification: Benign. Last evaluated: 2017-12-01. Review status: criteria provided, single submitter. Criteria: ACMG Guidelines, 2015. Collection method: clinical testing. Allele origin: germline. Observed: 30 variant alleles.

GeneDx
Classification: Benign. Last evaluated: 2016-03-12. Review status: criteria provided, single submitter. Criteria: GeneDx Variant Classification (06012015). Collection method: clinical testing. Allele origin: germline. Affected: yes.
Comment: This variant is considered likely benign or benign based on one or more of the following criteria: it is a conservative change, it occurs at a poorly conserved position in the protein, it is predicted to be benign by multiple in silico algorithms, and/or has population frequency not consistent with disease.

Laboratory for Molecular Medicine, Mass General Brigham Personalized Medicine
Classification: Benign. Last evaluated: 2015-01-13. Review status: criteria provided, single submitter. Criteria: LMM Criteria. Collection method: clinical testing. Allele origin: germline. Observed: 2 variant alleles.
Comment: p.His2822His in exon 61 of NEB: This variant is not expected to have clinical si gnificance because it does not alter an amino acid residue and is not located wi thin the splice consensus sequence. It has been identified in 4.1% (162/3930) of African American chromosomes from a broad population by the NHLBI Exome Sequenc ing Project (dbSNP rs61730771).

Breakthrough Genomics
Classification: Benign. Review status: criteria provided, single submitter. Criteria: ACMG Guidelines, 2015. Collection method: not provided. Allele origin: germline. Inheritance: Autosomal recessive inheritance. Affected: yes.

PreventionGenetics, part of Exact Sciences
Classification: Benign. Review status: criteria provided, single submitter. Criteria: ACMG Guidelines, 2015. Collection method: clinical testing. Allele origin: germline.

Natera, Inc.
Classification: Benign for Nemaline myopathy type 2. Last evaluated: 2020-09-16. Review status: no assertion criteria provided. Collection method: clinical testing. Allele origin: germline. Not counted in ClinVar's aggregate classification.

Genetic Services Laboratory, University of Chicago
Classification: Likely benign for AllHighlyPenetrant. Review status: no assertion criteria provided. Collection method: clinical testing. Allele origin: germline. Inheritance: Autosomal recessive inheritance. Not counted in ClinVar's aggregate classification.
Comment: Likely benign based on allele frequency in 1000 Genomes Project or ESP global frequency and its presence in a patient with a rare or unrelated disease phenotype. NOT Sanger confirmed.

Genome Diagnostics Laboratory, University Medical Center Utrecht
Classification: Benign. Review status: no assertion criteria provided. Collection method: clinical testing. Allele origin: germline. Affected: yes. Study: VKGL Data-share Consensus. Not counted in ClinVar's aggregate classification.

Laboratory of Diagnostic Genome Analysis, Leiden University Medical Center (LUMC)
Classification: Likely benign. Review status: no assertion criteria provided. Collection method: clinical testing. Allele origin: germline. Affected: yes. Study: VKGL Data-share Consensus. Not counted in ClinVar's aggregate classification.